The following is an entry in ClinVar:

NM_004408.4(DNM1):c.1987C>A (p.Arg663=)

Gene: DNM1 (dynamin 1; plus strand). Cytogenetic location: 9q34.11.
Variant type: single nucleotide variant.
Coding change: c.1987C>A on transcript NM_004408.4 (MANE Select); coding-DNA position 1987, C replaced by A.
Protein change: p.Arg663=; no amino-acid change (arginine 663 retained).
Molecular consequence: synonymous variant.
Genome position (GRCh38, 1-based): chr9:128,248,664, C>A. VCF-style: chr9-128248664-C-A. GRCh37 (hg19) VCF-style: chr9-131010943-C-A.
Other names: c.1987C>A, p.Arg663= (NM_001005336.3, NM_001288737.2, NM_001288738.2 and 1 more transcripts).
Identifiers: ClinVar variation 388386 (VCV000388386.1), dbSNP rs777360250, ClinGen allele CA16606237.

ClinVar aggregate classification (germline): Likely benign (1 of 4 stars; one submission).

gnomAD v4.1: 1 of 1,614,018 alleles (0.000062%); highest among the groups gnomAD compares: Non-Finnish European, 0.000085%; no homozygotes.

Submission:

GeneDx
Classification: Likely benign. Last evaluated: 2016-08-05. Review status: criteria provided, single submitter. Criteria: GeneDx Variant Classification (06012015). Collection method: clinical testing. Allele origin: germline. Affected: yes.
Comment: This variant is considered likely benign or benign based on one or more of the following criteria: it is a conservative change, it occurs at a poorly conserved position in the protein, it is predicted to be benign by multiple in silico algorithms, and/or has population frequency not consistent with disease.